The following is an entry in ClinVar:

ClinVar aggregate classification (germline): Likely benign. Review status: criteria provided, multiple submitters, no conflicts (2 of 4 stars). 3 submissions from 3 submitters: Likely benign (2). 1 of the submissions does not count toward it. Last evaluated 2024-02-27.

Conditions:
NR2E3-related disorder. Also called: NR2E3-related disorders; NR2E3-related condition. Identifiers: MedGen CN239387.

Allele frequency attached by ClinVar (database versions not stated): gnomAD 0.00001; gnomAD exomes 0.00001; ExAC 0.00002.
gnomAD v4.1: 24 of 1,613,858 alleles (0.0015%); highest among the groups gnomAD compares: Middle Eastern, 0.033%; no homozygotes.

Submissions (3):

Blueprint Genetics
Classification: Likely benign. Last evaluated: 2024-02-27. Review status: criteria provided, single submitter. Criteria: ACMG Guidelines, 2015. Collection method: clinical testing. Allele origin: germline.

Labcorp Genetics (formerly Invitae), Labcorp
Classification: Likely benign. Last evaluated: 2024-02-05. Review status: criteria provided, single submitter. Criteria: Invitae Variant Classification Sherloc (09022015). Collection method: clinical testing. Allele origin: germline.

PreventionGenetics, part of Exact Sciences
Classification: Likely benign for NR2E3-related condition. Last evaluated: 2020-01-30. Review status: no assertion criteria provided. Collection method: clinical testing. Allele origin: germline. Not counted in ClinVar's aggregate classification.
Comment: This variant is classified as likely benign based on ACMG/AMP sequence variant interpretation guidelines (Richards et al. 2015 PMID: 25741868, with internal and published modifications).

NM_014249.4(NR2E3):c.603C>T (p.Asp201=)

Gene: NR2E3 (nuclear receptor subfamily 2 group E member 3; plus strand). Cytogenetic location: 15q23.
Variant type: single nucleotide variant.
Coding change: c.603C>T on transcript NM_014249.4 (MANE Select); coding-DNA position 603, C replaced by T.
Protein change: p.Asp201=; no amino-acid change (aspartic acid 201 retained).
Molecular consequence: synonymous variant.
Genome position (GRCh38, 1-based): chr15:71,812,367, C>T. VCF-style: chr15-71812367-C-T. GRCh37 (hg19) VCF-style: chr15-72104707-C-T.
Other names: c.603C>T, p.Asp201= (NM_016346.4); c.603C>T (NM_014249.3).
Identifiers: ClinVar variation 1077994 (VCV001077994.12), dbSNP rs755807403, ClinGen allele CA7640357.